The following is an entry in ClinVar:

ClinVar aggregate classification (germline): Uncertain significance (1 of 4 stars; one submission).

Conditions:
Hereditary cancer-predisposing syndrome. Also called: Neoplastic Syndromes, Hereditary; Tumor predisposition; Hereditary neoplastic syndrome; Hereditary Cancer Syndrome. Identifiers: Orphanet 140162, MedGen C0027672, MeSH D009386, MONDO:0015356.

Submission:

Ambry Genetics
Classification: Uncertain significance for Hereditary cancer-predisposing syndrome. Last evaluated: 2026-07-25. Review status: criteria provided, single submitter. Criteria: Ambry Variant Classification Scheme 2023. Collection method: clinical testing. Allele origin: germline.
Comment: The p.E164A variant (also known as c.491A>C), located in coding exon 3 of the XRCC2 gene, results from an A to C substitution at nucleotide position 491. The glutamic acid at codon 164 is replaced by alanine, an amino acid with dissimilar properties. This amino acid position is conserved. In addition, the in silico prediction for this alteration is inconclusive. Based on the available evidence, the clinical significance of this variant remains unclear.

NM_005431.2(XRCC2):c.491A>C (p.Glu164Ala)

Gene: XRCC2 (X-ray repair cross complementing 2; minus strand). Cytogenetic location: 7q36.1.
Variant type: single nucleotide variant.
Coding change: c.491A>C on transcript NM_005431.2 (MANE Select); coding-DNA position 491, A replaced by C.
Protein change: p.Glu164Ala; replaces glutamic acid 164 with alanine.
Molecular consequence: missense variant.
Genome position (GRCh38, 1-based): chr7:152,648,994, T>G on the plus strand (A>C on the coding strand, the complement: XRCC2 is on the minus strand). VCF-style: chr7-152648994-T-G. GRCh37 (hg19) VCF-style: chr7-152346079-T-G.
Other names: short protein forms E164A.
Identifiers: ClinVar variation 5032089 (VCV005032089.1).
Genomic context (GRCh38, chr7:152,648,994, plus strand): 5'-ACAAGCTTCTCTAAGCACTGAGAACATTTCCTCAGAGTAGACTCCTGTAAGTTCACACTT[T>G]CTCCTCCATTGACGCGGTCTATCCAGTAAAAAGCTGACAGGCTATCCAAAATCAAAAGGC-3'
Protein context (NP_005422.1, residues 154-174): FYWIDRVNGG[Glu164Ala]SVNLQESTLR